The following is an entry in ClinVar:

ClinVar aggregate classification (germline): Uncertain significance (1 of 4 stars; one submission).

Allele frequency attached by ClinVar (database versions not stated): TOPMed below 0.00001; ExAC 0.00001; gnomAD 0.00001; gnomAD exomes 0.00001 and below 0.00001.
gnomAD v4.1: 3 of 1,608,394 alleles (0.00019%); highest among the groups gnomAD compares: Non-Finnish European, 0.00017%; no homozygotes.

Submission:

Labcorp Genetics (formerly Invitae), Labcorp
Classification: Uncertain significance. Last evaluated: 2021-10-08. Review status: criteria provided, single submitter. Criteria: Invitae Variant Classification Sherloc (09022015). Collection method: clinical testing. Allele origin: germline.
Comment: In summary, the available evidence is currently insufficient to determine the role of this variant in disease. Therefore, it has been classified as a Variant of Uncertain Significance. Algorithms developed to predict the effect of missense changes on protein structure and function are either unavailable or do not agree on the potential impact of this missense change (SIFT: "Tolerated"; PolyPhen-2: "Probably Damaging"; Align-GVGD: "Class C0"). This variant has not been reported in the literature in individuals affected with WHRN-related conditions. This variant is present in population databases (rs767351109, ExAC 0.002%). This sequence change replaces glutamic acid with glycine at codon 56 of the WHRN protein (p.Glu56Gly). The glutamic acid residue is moderately conserved and there is a moderate physicochemical difference between glutamic acid and glycine.

NM_015404.4(WHRN):c.167A>G (p.Glu56Gly)

Gene: WHRN (whirlin; minus strand). Cytogenetic location: 9q32.
Variant type: single nucleotide variant.
Coding change: c.167A>G on transcript NM_015404.4 (MANE Select); coding-DNA position 167, A replaced by G.
Protein change: p.Glu56Gly; replaces glutamic acid 56 with glycine.
Molecular consequence: missense variant.
Genome position (GRCh38, 1-based): chr9:114,504,635, T>C on the plus strand (A>G on the coding strand, the complement: WHRN is on the minus strand). VCF-style: chr9-114504635-T-C. GRCh37 (hg19) VCF-style: chr9-117266915-T-C.
Other names: c.167A>G, p.Glu56Gly (NM_001173425.2); short protein forms E56G.
Identifiers: ClinVar variation 1523729 (VCV001523729.6), dbSNP rs767351109, ClinGen allele CA5206352.